The following is an entry in ClinVar:

NM_000321.3(RB1):c.2486C>G (p.Ser829Ter)

Gene: RB1 (RB transcriptional corepressor 1; plus strand). Cytogenetic location: 13q14.2.
Variant type: single nucleotide variant.
Coding change: c.2486C>G on transcript NM_000321.3 (MANE Select); coding-DNA position 2486, C replaced by G.
Protein change: p.Ser829Ter; replaces serine 829 with a stop codon.
Molecular consequence: nonsense.
Genome position (GRCh38, 1-based): chr13:48,465,365, C>G. VCF-style: chr13-48465365-C-G. GRCh37 (hg19) VCF-style: chr13-49039501-C-G.
Other names: c.2486C>G, p.Ser829Ter (NM_001407165.1); short protein forms S829*.
Identifiers: ClinVar variation 3058125 (VCV003058125.2), dbSNP rs2138346270, ClinGen allele CA388168086.

ClinVar aggregate classification (germline): Pathogenic (0 of 4 stars; one submission).

Conditions:
RB1-related disorder. Also called: RB1-related condition.

Submission:

PreventionGenetics, part of Exact Sciences
Classification: Pathogenic for RB1-related condition. Last evaluated: 2023-12-13. Review status: no assertion criteria provided. Collection method: clinical testing. Allele origin: germline.
Comment: The RB1 c.2486C>G variant is predicted to result in premature protein termination (p.Ser829*). To our knowledge, this variant has not been reported in the literature or in a large population database, indicating this variant is rare. An alternate C-to-A nucleotide change resulting in a nonsense change at this position has been reported in an individual with retinoblastoma (Supp Table 2a, Reddy et al. 2021. PubMed ID: 32835838). Nonsense variants in RB1 are expected to be pathogenic. The c.2486C>G (p.Ser829*) variant is interpreted as pathogenic.